The following is an entry in ClinVar:

NC_000005.10:g.112707449G>A

Gene: APC (APC regulator of Wnt signaling pathway; plus strand). Cytogenetic location: 5q22.2.
Variant type: single nucleotide variant.
Genome position: GRCh38 VCF-style: chr5-112707449-G-A. GRCh37 (hg19) VCF-style: chr5-112043146-G-A.
Other names: c.-269G>A (NM_001354897.2).
Identifiers: ClinVar variation 643065 (VCV000643065.13), dbSNP rs1031191403, ClinGen allele CA124924684.

ClinVar aggregate classification (germline): Uncertain significance. Review status: criteria provided, multiple submitters, no conflicts (2 of 4 stars). 2 submissions from 2 submitters: Uncertain significance (2). Last evaluated 2025-12-08.

Conditions:
Familial adenomatous polyposis 1 (FAP1). Also called: FAMILIAL ADENOMATOUS POLYPOSIS 1, ATTENUATED; POLYPOSIS, ADENOMATOUS INTESTINAL. Identifiers: MedGen C2713442, MONDO:0021056, OMIM 175100. Disease mechanism: loss of function.

Allele frequency attached by ClinVar (database versions not stated): gnomAD 0.00001; gnomAD exomes 0.00002.

Submissions (2):

Labcorp Genetics (formerly Invitae), Labcorp
Classification: Uncertain significance for Familial adenomatous polyposis 1. Last evaluated: 2025-12-08. Review status: criteria provided, single submitter. Criteria: Invitae Variant Classification Sherloc (09022015). Collection method: clinical testing. Allele origin: germline.
Comment: This variant occurs in a non-coding region of the APC gene. It does not change the encoded amino acid sequence of the APC protein. This variant is not present in population databases (gnomAD no frequency). This variant has not been reported in the literature in individuals affected with APC-related conditions. ClinVar contains an entry for this variant (Variation ID: 643065). Experimental studies and prediction algorithms are not available or were not evaluated, and the functional significance of this variant is currently unknown. In summary, the available evidence is currently insufficient to determine the role of this variant in disease. Therefore, it has been classified as a Variant of Uncertain Significance.

Center for Genomic Medicine, Rigshospitalet, Copenhagen University Hospital
Classification: Uncertain significance. Last evaluated: 2025-03-04. Review status: criteria provided, single submitter. Criteria: ACMG Guidelines, 2015. Collection method: clinical testing. Allele origin: germline.